The following is an entry in ClinVar:

NM_175914.5(HNF4A):c.*2782A>C

Gene: HNF4A (hepatocyte nuclear factor 4 alpha; plus strand). Cytogenetic location: 20q13.12.
Variant type: single nucleotide variant.
Coding change: c.*2782A>C on transcript NM_175914.5 (MANE Select); 2782 bases downstream of the stop codon, A replaced by C.
Molecular consequence: 3 prime UTR variant.
Genome position (GRCh38, 1-based): chr20:44,432,447, A>C. VCF-style: chr20-44432447-A-C. GRCh37 (hg19) VCF-style: chr20-43061087-A-C.
Other names: c.*2782A>C (NM_000457.6, NM_001030003.3, NM_001258355.2 and 3 more transcripts).
Identifiers: ClinVar variation 896938 (VCV000896938.5), dbSNP rs1192263020, ClinGen allele CA744690860.

ClinVar aggregate classification (germline): Conflicting classifications of pathogenicity. Review status: criteria provided, conflicting classifications (1 of 4 stars). 3 submissions from 2 submitters: Uncertain significance (2); Benign (1). Last evaluated 2018-01-13.

Conditions:
Maturity-onset diabetes of the young type 1. Also called: MODY type 1; Diabetes mellitus MODY type 1; MODY HNF4A related; MILD JUVENILE DIABETES MELLITUS; HNF4A-Related Maturity-Onset Diabetes of the Young Type 1; MODY, type I. Identifiers: Orphanet 552, MedGen C1852093, MONDO:0007452, OMIM 125850. Disease mechanism: loss of function.
Maturity-onset diabetes of the young (MODY). Also called: Maturity onset diabetes mellitus in young. Identifiers: Orphanet 552, MedGen C0342276, MONDO:0018911, HP:0004904.
Familial hyperinsulinism. Also called: Congenital hyperinsulinism. Identifiers: Orphanet 276525, MedGen C3888018, MONDO:0017182. Disease mechanism: loss of function.

Allele frequency attached by ClinVar (database versions not stated): TOPMed 0.00001.

Submissions (3):

Illumina Laboratory Services, Illumina
Classification: Uncertain significance for Maturity-onset diabetes of the young type 1. Last evaluated: 2018-01-13. Review status: criteria provided, single submitter. Criteria: ICSL Variant Classification Criteria 13 December 2019. Collection method: clinical testing. Allele origin: germline.

Illumina Laboratory Services, Illumina
Classification: Uncertain significance for Familial hyperinsulinism. Last evaluated: 2018-01-13. Review status: criteria provided, single submitter. Criteria: ICSL Variant Classification Criteria 13 December 2019. Collection method: clinical testing. Allele origin: germline.

Clinical Genomics, Uppaluri K&H Personalized Medicine Clinic
Classification: Benign for Maturity-onset diabetes of the young. Review status: criteria provided, single submitter. Criteria: K & H Uppaluri Personalized Medicine Clinic Variant Classification & Assertion Criteria_Updated V.1. Collection method: research. Allele origin: unknown. Inheritance: Autosomal dominant inheritance.
Comment: Potent mutations in HNF4A are associated with poor insulin secretion in response to hyperglycemia. Associated with MODY1. Patients initially respond well to sulfonylureas but eventually become insulin dependent. However, more evidence is required to ascertain the role of this particular variant rs1192263020 in MODY, yet.

Literature cited by the submitters: DOI 10.1159/000334532 (cited by Clinical Genomics, Uppaluri K&H Personalized Medicine Clinic); PubMed 18268044 (cited by Clinical Genomics, Uppaluri K&H Personalized Medicine Clinic); PubMed 17563455 (cited by Clinical Genomics, Uppaluri K&H Personalized Medicine Clinic); PubMed 32583173 (cited by Clinical Genomics, Uppaluri K&H Personalized Medicine Clinic); PubMed 35052457 (cited by Clinical Genomics, Uppaluri K&H Personalized Medicine Clinic); PubMed 35118593 (cited by Clinical Genomics, Uppaluri K&H Personalized Medicine Clinic).